The following is an entry in ClinVar:

NM_006059.4(LAMC3):c.145C>T (p.Gln49Ter)

Gene: LAMC3 (laminin subunit gamma 3; plus strand). Cytogenetic location: 9q34.12.
Variant type: single nucleotide variant.
Coding change: c.145C>T on transcript NM_006059.4 (MANE Select); coding-DNA position 145, C replaced by T.
Protein change: p.Gln49Ter; replaces glutamine 49 with a stop codon.
Molecular consequence: nonsense.
Genome position (GRCh38, 1-based): chr9:131,009,359, C>T. VCF-style: chr9-131009359-C-T. GRCh37 (hg19) VCF-style: chr9-133884746-C-T.
Other names: short protein forms Q49*.
Identifiers: ClinVar variation 2101840 (VCV002101840.4), dbSNP rs1415783548, ClinGen allele CA375250471.

ClinVar aggregate classification (germline): Pathogenic (1 of 4 stars; one submission).

Allele frequency attached by ClinVar (database versions not stated): TOPMed below 0.00001.
gnomAD v4.1: 2 of 1,512,408 alleles (0.00013%); highest among the groups gnomAD compares: Non-Finnish European, 0.00018%; no homozygotes.

Submission:

Labcorp Genetics (formerly Invitae), Labcorp
Classification: Pathogenic. Last evaluated: 2022-02-22. Review status: criteria provided, single submitter. Criteria: Invitae Variant Classification Sherloc (09022015). Collection method: clinical testing. Allele origin: germline.
Comment: For these reasons, this variant has been classified as Pathogenic. This variant has not been reported in the literature in individuals affected with LAMC3-related conditions. This variant is not present in population databases (gnomAD no frequency). This sequence change creates a premature translational stop signal (p.Gln49*) in the LAMC3 gene. It is expected to result in an absent or disrupted protein product. Loss-of-function variants in LAMC3 are known to be pathogenic (PMID: 21572413, 26802095).

Literature cited by the submitters: PubMed 21572413; PubMed 26802095.